The following is an entry in ClinVar:

ClinVar aggregate classification (germline): Uncertain significance (1 of 4 stars; one submission).

Conditions:
SIM1-related disorder. Also called: SIM1-related disorders; SIM1-related condition.

Submission:

PreventionGenetics, part of Exact Sciences
Classification: Uncertain significance for SIM1-related condition. Last evaluated: 2025-09-09. Review status: criteria provided, single submitter. Criteria: ACMG Guidelines, 2015. Collection method: clinical testing. Allele origin: germline.
Comment: The SIM1 c.851T>C variant is predicted to result in the amino acid substitution p.Leu284Pro. To our knowledge, this variant has not been reported in the literature or in a large population database (gnomAD), indicating this variant is rare. At this time, the clinical significance of this variant is uncertain due to the absence of conclusive functional and genetic evidence.

NM_005068.3(SIM1):c.851T>C (p.Leu284Pro)

Gene: SIM1 (SIM bHLH transcription factor 1; minus strand). Cytogenetic location: 6q16.3.
Variant type: single nucleotide variant.
Coding change: c.851T>C on transcript NM_005068.3 (MANE Select); coding-DNA position 851, T replaced by C.
Protein change: p.Leu284Pro; replaces leucine 284 with proline.
Molecular consequence: missense variant.
Genome position (GRCh38, 1-based): chr6:100,447,415, A>G on the plus strand (T>C on the coding strand, the complement: SIM1 is on the minus strand). VCF-style: chr6-100447415-A-G. GRCh37 (hg19) VCF-style: chr6-100895291-A-G.
Other names: c.851T>C, p.Leu284Pro (NM_001374769.1); short protein forms L284P.
Identifiers: ClinVar variation 5001472 (VCV005001472.1).